The following is an entry in ClinVar:

NM_016938.5(EFEMP2):c.1220G>T (p.Gly407Val)

Genes: EFEMP2 (EGF-like fibulin extracellular matrix protein 2; minus strand), MUS81 (MUS81 structure-specific endonuclease subunit; plus strand). Cytogenetic location: 11q13.1.
Variant type: single nucleotide variant.
Coding change: c.1220G>T on transcript NM_016938.5 (MANE Select); coding-DNA position 1220, G replaced by T.
Protein change: p.Gly407Val; replaces glycine 407 with valine.
Molecular consequence: missense variant. On other transcripts: non-coding transcript variant (1).
Genome position (GRCh38, 1-based): chr11:65,867,030, C>A on the plus strand (G>T on the coding strand, the complement: EFEMP2 is on the minus strand). VCF-style: chr11-65867030-C-A. GRCh37 (hg19) VCF-style: chr11-65634501-C-A.
Other names: short protein forms G407V.
Identifiers: ClinVar variation 1016757 (VCV001016757.8), dbSNP rs1859861811, ClinGen allele CA381349365.

ClinVar aggregate classification (germline): Uncertain significance (1 of 4 stars; one submission).

Conditions:
Cutis laxa, autosomal recessive, type 1B (ARCL1B). Also called: EFEMP2-Related Cutis Laxa; CUTIS LAXA, AUTOSOMAL RECESSIVE, TYPE IB. Identifiers: Orphanet 90349, MedGen C3280798, MONDO:0013754, OMIM 614437. Disease mechanism: loss of function.

Submission:

Labcorp Genetics (formerly Invitae), Labcorp
Classification: Uncertain significance for Cutis laxa, autosomal recessive, type 1B. Last evaluated: 2020-06-18. Review status: criteria provided, single submitter. Criteria: Invitae Variant Classification Sherloc (09022015). Collection method: clinical testing. Allele origin: germline.
Comment: This sequence change replaces glycine with valine at codon 407 of the EFEMP2 protein (p.Gly407Val). The glycine residue is highly conserved and there is a moderate physicochemical difference between glycine and valine. This variant is not present in population databases (ExAC no frequency). This variant has not been reported in the literature in individuals with EFEMP2-related conditions. Algorithms developed to predict the effect of missense changes on protein structure and function (SIFT, PolyPhen-2, Align-GVGD) all suggest that this variant is likely to be disruptive, but these predictions have not been confirmed by published functional studies and their clinical significance is uncertain. In summary, the available evidence is currently insufficient to determine the role of this variant in disease. Therefore, it has been classified as a Variant of Uncertain Significance.